The following is an entry in ClinVar:

ClinVar aggregate classification (germline): Benign. Review status: criteria provided, multiple submitters, no conflicts (2 of 4 stars). 6 submissions from 6 submitters: Benign (5). 1 of the submissions does not count toward it. Last evaluated 2026-01-27.

Conditions:
TGM6-related disorder. Also called: TGM6-related condition.
Spinocerebellar ataxia type 35. Identifiers: Orphanet 276193, MedGen C3888031, MONDO:0013485, OMIM 613908.

Allele frequency attached by ClinVar (database versions not stated): gnomAD exomes 0.00293 and 0.00750; ExAC 0.00888; gnomAD 0.02652 and 0.02857; 1000 Genomes Project 0.02676; 1000 Genomes Project 30x 0.02733; TOPMed 0.03027; ESP Exome Variant Server 0.03245.
gnomAD v4.1: 8,511 of 1,614,208 alleles (0.53%); highest among the groups gnomAD compares: African/African-American, 9.3%; 340 homozygotes.

Submissions (6):

Labcorp Genetics (formerly Invitae), Labcorp
Classification: Benign. Last evaluated: 2026-01-27. Review status: criteria provided, single submitter. Criteria: Invitae Variant Classification Sherloc (09022015). Collection method: clinical testing. Allele origin: germline.

Athena Diagnostics
Classification: Benign. Last evaluated: 2024-01-02. Review status: criteria provided, single submitter. Criteria: Athena Diagnostics Criteria. Collection method: clinical testing. Allele origin: unknown.

Mayo Clinic Laboratories, Mayo Clinic
Classification: Benign. Last evaluated: 2023-05-22. Review status: criteria provided, single submitter. Criteria: ACMG Guidelines, 2015. Collection method: clinical testing. Allele origin: germline. Observed: 8 variant alleles.

GeneDx
Classification: Benign. Last evaluated: 2021-05-05. Review status: criteria provided, single submitter. Criteria: GeneDx Variant Classification Process June 2021. Collection method: clinical testing. Allele origin: germline. Affected: yes.

Illumina Laboratory Services, Illumina
Classification: Benign for Spinocerebellar ataxia type 35. Last evaluated: 2018-01-13. Review status: criteria provided, single submitter. Criteria: ICSL Variant Classification Criteria 13 December 2019. Collection method: clinical testing. Allele origin: germline.
Comment: This variant was observed in the ICSL laboratory as part of a predisposition screen in an ostensibly healthy population. It had not been previously curated by ICSL or reported in the Human Gene Mutation Database (HGMD: prior to June 1st, 2018), and was therefore a candidate for classification through an automated scoring system. Utilizing variant allele frequency, disease prevalence and penetrance estimates, and inheritance mode, an automated score was calculated to assess if this variant is too frequent to cause the disease. Based on the score and internal cut-off values, a variant classified as benign is not then subjected to further curation. The score for this variant resulted in a classification of benign for this disease.

PreventionGenetics, part of Exact Sciences
Classification: Benign for TGM6-related condition. Last evaluated: 2019-11-13. Review status: no assertion criteria provided. Collection method: clinical testing. Allele origin: germline. Not counted in ClinVar's aggregate classification.
Comment: This variant is classified as benign based on ACMG/AMP sequence variant interpretation guidelines (Richards et al. 2015 PMID: 25741868, with internal and published modifications).

NM_198994.3(TGM6):c.422C>A (p.Ala141Glu)

Gene: TGM6 (transglutaminase 6; plus strand). Cytogenetic location: 20p13.
Variant type: single nucleotide variant.
Coding change: c.422C>A on transcript NM_198994.3 (MANE Select); coding-DNA position 422, C replaced by A.
Protein change: p.Ala141Glu; replaces alanine 141 with glutamic acid.
Molecular consequence: missense variant.
Genome position (GRCh38, 1-based): chr20:2,395,434, C>A. VCF-style: chr20-2395434-C-A. GRCh37 (hg19) VCF-style: chr20-2376080-C-A.
Other names: p.Ala141Glu; c.422C>A, p.Ala141Glu (NM_001254734.2); short protein forms A141E.
Identifiers: ClinVar variation 337905 (VCV000337905.19), dbSNP rs73894929, ClinGen allele CA9731634.
Genomic context (GRCh38, chr20:2,395,434, plus strand): 5'-ACCGCAAACACAGCAACCGGAGGCTGGGCGAGTTTGTTCTCCTTTTCAACCCATGGTGTG[C>A]AGGTAGGAGTGGCCAAGTCCAATGCAGAGGTTTTTCCAAAAGACATCCTTAGAGGAGAGC-3'
Protein context (NP_945345.2, residues 131-151): EFVLLFNPWC[Ala141Glu]EDDVFLASEE